The following is an entry in ClinVar:

ClinVar aggregate classification (germline): Likely benign. Review status: criteria provided, multiple submitters, no conflicts (2 of 4 stars). 2 submissions from 2 submitters: Likely benign (2). Last evaluated 2025-10-17.

Conditions:
Tuberous sclerosis 2 (TSC2). Identifiers: Orphanet 805, MedGen C1860707, MONDO:0013199, OMIM 613254.

Allele frequency attached by ClinVar (database versions not stated): TOPMed below 0.00001.
gnomAD v4.1: 3 of 1,613,188 alleles (0.00019%); highest among the groups gnomAD compares: Non-Finnish European, 0.00025%; no homozygotes.

Submissions (2):

Labcorp Genetics (formerly Invitae), Labcorp
Classification: Likely benign for Tuberous sclerosis 2. Last evaluated: 2025-10-17. Review status: criteria provided, single submitter. Criteria: Invitae Variant Classification Sherloc (09022015). Collection method: clinical testing. Allele origin: germline.

Myriad Genetics, Inc.
Classification: Likely benign for Tuberous sclerosis 2. Last evaluated: 2025-05-15. Review status: criteria provided, single submitter. Criteria: Myriad Autosomal Dominant, Autosomal Recessive and X-Linked Classification Criteria (2023). Collection method: clinical testing. Allele origin: unknown.
Comment: This variant is considered likely benign. This variant is intronic and is not expected to impact mRNA splicing.

NM_000548.5(TSC2):c.1717-20G>A

Gene: TSC2 (TSC complex subunit 2; plus strand). Cytogenetic location: 16p13.3.
Variant type: single nucleotide variant.
Coding change: c.1717-20G>A on transcript NM_000548.5 (MANE Select); 20 bases into the intron before coding-DNA position 1717, G replaced by A.
Molecular consequence: intron variant.
Genome position (GRCh38, 1-based): chr16:2,070,436, G>A. VCF-style: chr16-2070436-G-A. GRCh37 (hg19) VCF-style: chr16-2120437-G-A.
Other names: c.1717-20G>A (NM_001114382.3, NM_021055.3, NM_001370405.1 and 3 more transcripts); c.1606-20G>A (NM_001318827.2); c.1117-20G>A (NM_001318831.2); c.1570-20G>A (NM_001318829.2); c.1750-20G>A (NM_001318832.2).
Identifiers: ClinVar variation 1548431 (VCV001548431.9), dbSNP rs1555505006, ClinGen allele CA973770189.
Genomic context (GRCh38, chr16:2,070,436, plus strand): 5'-CCTGCTCCGGGACAAGGGTGCTGTCTTAGGACTGCGTTTTCACCTCCTGCGCCGTGGTGA[G>A]CTGCGTCCTCTCTCTGCAGACCAAGCTGTACACCCTGCCTGCAAGCCACGCCACGCGTGT-3'